The following is an entry in ClinVar:

ClinVar aggregate classification (germline): Uncertain significance (1 of 4 stars; one submission).

Conditions:
Severe early-onset pulmonary alveolar proteinosis due to MARS deficiency. Also called: Interstitial lung and liver disease; PULMONARY ALVEOLAR PROTEINOSIS, REUNION ISLAND. Identifiers: Orphanet 440427, MedGen C4225400, MONDO:0014206, OMIM 615486.
Charcot-Marie-Tooth disease axonal type 2U. Also called: CHARCOT-MARIE-TOOTH NEUROPATHY, TYPE 2U; CHARCOT-MARIE-TOOTH DISEASE, AXONAL, AUTOSOMAL DOMINANT, TYPE 2U. Identifiers: Orphanet 397735, MedGen C4084821, MONDO:0014566, OMIM 616280.

Submission:

Labcorp Genetics (formerly Invitae), Labcorp
Classification: Uncertain significance for Charcot-Marie-Tooth disease axonal type 2U; Severe early-onset pulmonary alveolar proteinosis due to MARS deficiency. Last evaluated: 2024-02-25. Review status: criteria provided, single submitter. Criteria: Invitae Variant Classification Sherloc (09022015). Collection method: clinical testing. Allele origin: germline.
Comment: This sequence change creates a premature translational stop signal (p.Glu141Ilefs*23) in the MARS gene. It is expected to result in an absent or disrupted protein product. However, the current clinical and genetic evidence is not sufficient to establish whether loss-of-function variants in MARS cause disease. This variant is not present in population databases (gnomAD no frequency). This variant has not been reported in the literature in individuals affected with MARS-related conditions. In summary, the available evidence is currently insufficient to determine the role of this variant in disease. Therefore, it has been classified as a Variant of Uncertain Significance.

NM_004990.4(MARS1):c.421_422del (p.Glu141fs)

Gene: MARS1 (methionyl-tRNA synthetase 1; plus strand). Cytogenetic location: 12q13.3.
Variant type: Deletion.
Coding change: c.421_422del on transcript NM_004990.4 (MANE Select); coding-DNA positions 421 to 422, 2 bases deleted (GA; older notation c.421_422delGA).
Protein change: p.Glu141fs; shifts the reading frame from glutamic acid 141.
Molecular consequence: frameshift variant.
Genome position (GRCh38, 1-based): chr12:57,489,902-57,489,903, GA deleted; deleting any 2 consecutive bases within chr12:57,489,901-57,489,903 gives the same sequence; the c. name uses the placement nearest the transcript's 3' end. VCF-style (leftmost placement, unchanged base first): chr12-57489900-CAG-C. GRCh37 (hg19) VCF-style: chr12-57883683-CAG-C.
Other names: short protein forms E141fs.
Identifiers: ClinVar variation 3753071 (VCV003753071.2).